The following is an entry in ClinVar:

NM_199355.4(ADAMTS18):c.3403-1G>A

Genes: ADAMTS18 (ADAM metallopeptidase with thrombospondin type 1 motif 18; minus strand), LOC126862407 (CDK7 strongly-dependent group 2 enhancer GRCh37_chr16:77322970-77324169; plus strand). Cytogenetic location: 16q23.1.
Variant type: single nucleotide variant.
Coding change: c.3403-1G>A on transcript NM_199355.4 (MANE Select); the canonical splice acceptor site of the intron before coding-DNA position 3403, G replaced by A.
Molecular consequence: splice acceptor variant.
Genome position (GRCh38, 1-based): chr16:77,289,412, C>T on the plus strand (G>A on the coding strand, the complement: ADAMTS18 is on the minus strand). VCF-style: chr16-77289412-C-T. GRCh37 (hg19) VCF-style: chr16-77323309-C-T.
Other names: c.2887-1G>A (NM_001326358.2).
Identifiers: ClinVar variation 1066071 (VCV001066071.7), dbSNP rs780657444, ClinGen allele CA8180438.
Genomic context (GRCh38, chr16:77,289,412, plus strand): 5'-GCCTTGCTGAACACAGTGGACTGACCGGGTCTGGACCCCTCCCCCACAGGTGACTGTGCA[C>T]TGCAGCAGAGAGAAGAGGAAGGAGTCAGAAACACTCTACTGAGGTCAGTGACATCAAACA-3'

ClinVar aggregate classification (germline): Likely pathogenic (1 of 4 stars; one submission).

Allele frequency attached by ClinVar (database versions not stated): ExAC 0.00001; gnomAD 0.00001.

Submission:

Labcorp Genetics (formerly Invitae), Labcorp
Classification: Likely pathogenic. Last evaluated: 2023-05-11. Review status: criteria provided, single submitter. Criteria: Invitae Variant Classification Sherloc (09022015). Collection method: clinical testing. Allele origin: germline.
Comment: ClinVar contains an entry for this variant (Variation ID: 1066071). This sequence change affects an acceptor splice site in intron 21 of the ADAMTS18 gene. It is expected to disrupt RNA splicing. Variants that disrupt the donor or acceptor splice site typically lead to a loss of protein function (PMID: 16199547), and loss-of-function variants in ADAMTS18 are known to be pathogenic (PMID: 23818446, 24874986). This variant is present in population databases (rs780657444, gnomAD 0.0009%). This variant has not been reported in the literature in individuals affected with ADAMTS18-related conditions. Algorithms developed to predict the effect of sequence changes on RNA splicing suggest that this variant may disrupt the consensus splice site. In summary, the currently available evidence indicates that the variant is pathogenic, but additional data are needed to prove that conclusively. Therefore, this variant has been classified as Likely Pathogenic.

Literature cited by the submitters: PubMed 16199547; PubMed 23818446; PubMed 24874986.